The following is an entry in ClinVar:

NM_006516.4(SLC2A1):c.1084C>T (p.Pro362Ser)

Gene: SLC2A1 (solute carrier family 2 member 1; minus strand). Cytogenetic location: 1p34.2.
Variant type: single nucleotide variant.
Coding change: c.1084C>T on transcript NM_006516.4 (MANE Select); coding-DNA position 1084, C replaced by T.
Protein change: p.Pro362Ser; replaces proline 362 with serine.
Molecular consequence: missense variant.
Genome position (GRCh38, 1-based): chr1:42,927,799, G>A on the plus strand (C>T on the coding strand, the complement: SLC2A1 is on the minus strand). VCF-style: chr1-42927799-G-A. GRCh37 (hg19) VCF-style: chr1-43393470-G-A.
Other names: c.1084C>T (NM_006516.2); short protein forms P362S.
Identifiers: ClinVar variation 2197801 (VCV002197801.6), dbSNP rs747658630, ClinGen allele CA803338.

ClinVar aggregate classification (germline): Uncertain significance. Review status: criteria provided, multiple submitters, no conflicts (2 of 4 stars). 7 submissions from 3 submitters: Uncertain significance (7). Last evaluated 2024-10-30.

Conditions:
Dystonia 9 (DYT9). Also called: CHOREOATHETOSIS, KINESIGENIC, WITH EPISODIC ATAXIA AND SPASTICITY. Identifiers: Orphanet 53583, MedGen C1832855, MONDO:0010983, OMIM 601042.
Epilepsy, idiopathic generalized, susceptibility to, 12 (EIG12). Identifiers: MedGen C3553859, MONDO:0013919, OMIM 614847.
Encephalopathy due to GLUT1 deficiency. Also called: Glucose transporter protein syndrome; GLUT1 deficiency syndrome 1, infantile onset, severe; GLUT1 deficiency syndrome 1; GLUCOSE TRANSPORT DEFECT, BLOOD-BRAIN BARRIER; De Vivo disease; Classic Glucose Transporter Type 1 Deficiency Syndrome. Identifiers: Orphanet 71277, MedGen C4551966, MONDO:0011724, OMIM 606777.
GLUT1 deficiency syndrome 1, autosomal recessive. Identifiers: MedGen C3149117.
Childhood onset GLUT1 deficiency syndrome 2. Also called: Paroxysmal exercise-induced dystonia; PxMD-SLC2A1; GLUT1 deficiency syndrome 2; Exertion-induced paroxysmal dyskinesia; PAROXYSMAL EXERCISE-INDUCED DYSKINESIA WITH OR WITHOUT EPILEPSY AND/OR HEMOLYTIC ANEMIA; PAROXYSMAL EXERTION-INDUCED DYSTONIA WITH OR WITHOUT EPILEPSY AND/OR HEMOLYTIC ANEMIA. Identifiers: Orphanet 98811, MedGen C1842534, MONDO:0012805, OMIM 612126.
Hereditary cryohydrocytosis with reduced stomatin. Also called: Stomatin-deficient cryohydrocytosis with neurologic defects; GLUT1 DEFICIENCY SYNDROME WITH PSEUDOHYPERKALEMIA AND HEMOLYSIS. Identifiers: Orphanet 168577, MedGen C1837206, MONDO:0012143, OMIM 608885.

Allele frequency attached by ClinVar (database versions not stated): TOPMed 0.00001; ExAC 0.00002; gnomAD 0.00003; gnomAD exomes 0.00010.
gnomAD v4.1: 150 of 1,612,726 alleles (0.0093%); highest among the groups gnomAD compares: Non-Finnish European, 0.013%; no homozygotes.

Submissions (7):

Labcorp Genetics (formerly Invitae), Labcorp
Classification: Uncertain significance for GLUT1 deficiency syndrome 1, autosomal recessive. Last evaluated: 2024-10-30. Review status: criteria provided, single submitter. Criteria: Invitae Variant Classification Sherloc (09022015). Collection method: clinical testing. Allele origin: germline.
Comment: This sequence change replaces proline, which is neutral and non-polar, with serine, which is neutral and polar, at codon 362 of the SLC2A1 protein (p.Pro362Ser). This variant is present in population databases (rs747658630, gnomAD 0.004%). This variant has not been reported in the literature in individuals affected with SLC2A1-related conditions. ClinVar contains an entry for this variant (Variation ID: 2197801). Invitae Evidence Modeling of protein sequence and biophysical properties (such as structural, functional, and spatial information, amino acid conservation, physicochemical variation, residue mobility, and thermodynamic stability) indicates that this missense variant is expected to disrupt SLC2A1 protein function with a positive predictive value of 95%. In summary, the available evidence is currently insufficient to determine the role of this variant in disease. Therefore, it has been classified as a Variant of Uncertain Significance.

Women's Health and Genetics/Laboratory Corporation of America, LabCorp
Classification: Uncertain significance. Last evaluated: 2023-09-15. Review status: criteria provided, single submitter. Criteria: LabCorp Variant Classification Summary - May 2015. Collection method: clinical testing. Allele origin: germline.
Comment: Variant summary: SLC2A1 c.1084C>T (p.Pro362Ser) results in a non-conservative amino acid change located in the major facilitator superfamily domain of the encoded protein sequence. Three of five in-silico tools predict a benign effect of the variant on protein function. The variant allele was found at a frequency of 8.1e-06 in 247052 control chromosomes (gnomAD). The available data on variant occurrences in the general population are insufficient to allow any conclusion about variant significance. To our knowledge, no occurrence of c.1084C>T in individuals affected with GLUT1 Deficiency Syndrome 1 and no experimental evidence demonstrating its impact on protein function have been reported. One submitter has cited a clinical-significance assessment for this variant to ClinVar after 2014 and has classified the variant as uncertain significance. Based on the evidence outlined above, the variant was classified as uncertain significance.

Genome-Nilou Lab
Classification: Uncertain significance for Epilepsy, idiopathic generalized, susceptibility to, 12. Last evaluated: 2023-04-11. Review status: criteria provided, single submitter. Criteria: ACMG Guidelines, 2015. Collection method: clinical testing. Allele origin: germline. Affected: no.

Genome-Nilou Lab
Classification: Uncertain significance for Dystonia 9. Last evaluated: 2023-04-11. Review status: criteria provided, single submitter. Criteria: ACMG Guidelines, 2015. Collection method: clinical testing. Allele origin: germline. Affected: no.

Genome-Nilou Lab
Classification: Uncertain significance for Encephalopathy due to GLUT1 deficiency. Last evaluated: 2023-04-11. Review status: criteria provided, single submitter. Criteria: ACMG Guidelines, 2015. Collection method: clinical testing. Allele origin: germline. Affected: no.

Genome-Nilou Lab
Classification: Uncertain significance for Childhood onset GLUT1 deficiency syndrome 2. Last evaluated: 2023-04-11. Review status: criteria provided, single submitter. Criteria: ACMG Guidelines, 2015. Collection method: clinical testing. Allele origin: germline. Affected: no.

Genome-Nilou Lab
Classification: Uncertain significance for Hereditary cryohydrocytosis with reduced stomatin. Last evaluated: 2023-04-11. Review status: criteria provided, single submitter. Criteria: ACMG Guidelines, 2015. Collection method: clinical testing. Allele origin: germline. Affected: no.